The following is an entry in ClinVar:

NM_198253.3(TERT):c.1917C>T (p.Val639=)

Gene: TERT (telomerase reverse transcriptase; minus strand). Cytogenetic location: 5p15.33.
Variant type: single nucleotide variant.
Coding change: c.1917C>T on transcript NM_198253.3 (MANE Select); coding-DNA position 1917, C replaced by T.
Protein change: p.Val639=; no amino-acid change (valine 639 retained).
Molecular consequence: synonymous variant. On other transcripts: non-coding transcript variant (2).
Genome position (GRCh38, 1-based): chr5:1,280,191, G>A on the plus strand (C>T on the coding strand, the complement: TERT is on the minus strand). VCF-style: chr5-1280191-G-A. GRCh37 (hg19) VCF-style: chr5-1280306-G-A.
Other names: p.Val639=; c.1917C>T, p.Val639= (NM_001193376.3).
Identifiers: ClinVar variation 539246 (VCV000539246.22), dbSNP rs142989562, ClinGen allele CA3184731.

ClinVar aggregate classification (germline): Conflicting classifications of pathogenicity. Review status: criteria provided, conflicting classifications (1 of 4 stars). 7 submissions from 7 submitters: Uncertain significance (1); Likely benign (5). 1 of the submissions does not count toward it. Last evaluated 2026-04-13.

Conditions:
TERT-related disorder. Also called: TERT-related condition; TERT-related disorders.
Dyskeratosis congenita. Identifiers: Orphanet 1775, MedGen C0265965, MONDO:0015780.
Dyskeratosis congenita, autosomal dominant 2. Identifiers: MedGen C3151443, MONDO:0013521, OMIM 613989.
Idiopathic Pulmonary Fibrosis. Also called: Idiopathic fibrosing alveolitis, chronic form; idiopathic fibrosing alveolitis. Identifiers: Orphanet 2032, MedGen C1800706, MeSH D054990, MONDO:0800504.

Allele frequency attached by ClinVar (database versions not stated): TOPMed 0.00010; ESP Exome Variant Server 0.00015.
gnomAD v4.1: 100 of 1,614,090 alleles (0.0062%); highest among the groups gnomAD compares: African/African-American, 0.019%; no homozygotes.

Submissions (7):

Women's Health and Genetics/Laboratory Corporation of America, LabCorp
Classification: Likely benign. Last evaluated: 2026-04-13. Review status: criteria provided, single submitter. Criteria: LabCorp Variant Classification Summary - May 2015. Collection method: clinical testing. Allele origin: germline.

Labcorp Genetics (formerly Invitae), Labcorp
Classification: Likely benign for Dyskeratosis congenita, autosomal dominant 2; Idiopathic Pulmonary Fibrosis. Last evaluated: 2025-11-24. Review status: criteria provided, single submitter. Criteria: Invitae Variant Classification Sherloc (09022015). Collection method: clinical testing. Allele origin: germline.

Mayo Clinic Laboratories, Mayo Clinic
Classification: Likely benign. Last evaluated: 2025-09-17. Review status: criteria provided, single submitter. Criteria: ACMG Guidelines, 2015. Collection method: clinical testing. Allele origin: germline. Observed: 1 variant allele.
Comment: BP4, BP7

Ambry Genetics
Classification: Uncertain significance for Dyskeratosis congenita. Last evaluated: 2025-03-27. Review status: criteria provided, single submitter. Criteria: Ambry Variant Classification Scheme 2023. Collection method: clinical testing. Allele origin: germline.
Comment: The c.1917C>T variant (also known as p.V639V), located in coding exon 4 of the TERT gene, results from a C to T substitution at nucleotide position 1917. This nucleotide substitution does not change the valine at codon 639. This nucleotide position is not well conserved in available vertebrate species. In silico splice site analysis for this alteration is inconclusive. Based on the available evidence, the clinical significance of this variant remains unclear.

Blueprint Genetics
Classification: Likely benign. Last evaluated: 2024-03-05. Review status: criteria provided, single submitter. Criteria: ACMG Guidelines, 2015. Collection method: clinical testing. Allele origin: germline.

Genetic Services Laboratory, University of Chicago
Classification: Likely benign. Last evaluated: 2019-04-20. Review status: criteria provided, single submitter. Criteria: ACMG Guidelines, 2015. Collection method: clinical testing. Allele origin: germline. Affected: no.

PreventionGenetics, part of Exact Sciences
Classification: Likely benign for TERT-related condition. Last evaluated: 2023-09-27. Review status: no assertion criteria provided. Collection method: clinical testing. Allele origin: germline. Not counted in ClinVar's aggregate classification.
Comment: This variant is classified as likely benign based on ACMG/AMP sequence variant interpretation guidelines (Richards et al. 2015 PMID: 25741868, with internal and published modifications).